The following is an entry in ClinVar:

NM_007294.4(BRCA1):c.5333-12T>A

Gene: BRCA1 (BRCA1 DNA repair associated; minus strand). Cytogenetic location: 17q21.31.
Variant type: single nucleotide variant.
Coding change: c.5333-12T>A on transcript NM_007294.4 (MANE Select); 12 bases into the intron before coding-DNA position 5333, T replaced by A.
Molecular consequence: intron variant.
Genome position (GRCh38, 1-based): chr17:43,049,206, A>T on the plus strand (T>A on the coding strand, the complement: BRCA1 is on the minus strand). VCF-style: chr17-43049206-A-T. GRCh37 (hg19) VCF-style: chr17-41201223-A-T.
Other names: c.1880-12T>A (NM_001408458.1, NM_001408461.1, NM_001408464.1 and 7 more transcripts); c.4442-12T>A (NM_001407967.1); c.4952-12T>A (NM_001407959.1); c.5066-12T>A (NM_001407931.1, NM_001407932.1, NM_001407928.1 and 4 more transcripts); c.5189-12T>A (NM_001407747.1, NM_001407745.1, NM_001407737.1 and 18 more transcripts); c.4949-12T>A (NM_001407962.1, NM_001407960.1); c.1520-12T>A (NM_001408512.1); c.1643-12T>A (NM_001408510.1); and 84 more.
Identifiers: ClinVar variation 868337 (VCV000868337.3), dbSNP rs1170399168, ClinGen allele CA916080904.

Conditions:
Breast-ovarian cancer, familial, susceptibility to, 1 (BROVCA1). Also called: BRCA1 Hereditary Breast and Ovarian Cancer; OVARIAN CANCER, SUSCEPTIBILITY TO. Identifiers: Orphanet 145, MedGen C2676676, MONDO:0011450, OMIM 604370. Disease mechanism: loss of function.

Submission:

Brotman Baty Institute, University of Washington
No classification provided (evidence only). Condition: Breast-ovarian cancer, familial 1. Review status: no classification provided. Collection method: in vitro. Allele origin: not applicable. Functional consequence: functionally_abnormal.
ClinVar note: "not provided" was previously submitted as the classification for the variant. However, the classification appeared to be based only on an observation of functional data so it was converted to no classification on 2025-07-30.